The following is an entry in ClinVar:

ClinVar aggregate classification (germline): Likely pathogenic (1 of 4 stars; one submission).

Conditions:
Autoinflammatory syndrome with immunodeficiency. Also called: AUTOINFLAMMATORY SYNDROME, FAMILIAL, WITH OR WITHOUT IMMUNODEFICIENCY. Identifiers: MedGen C5543547, MONDO:0800130, OMIM 619375.

Submission:

Institute of Human Genetics, University of Leipzig Medical Center
Classification: Likely pathogenic for Autoinflammatory syndrome with immunodeficiency. Last evaluated: 2023-10-04. Review status: criteria provided, single submitter. Criteria: ACMG Guidelines, 2015. Collection method: clinical testing. Allele origin: de novo. Inheritance: Autosomal dominant inheritance. Affected: yes.
Comment: Criteria applied: PM2_SUP,PP3, PS2

NM_003745.2(SOCS1):c.560G>A (p.Gly187Asp)

Genes: SOCS1 (suppressor of cytokine signaling 1; minus strand), LOC130058478 (ATAC-STARR-seq lymphoblastoid silent region 7197; plus strand). Cytogenetic location: 16p13.13.
Variant type: single nucleotide variant.
Coding change: c.560G>A on transcript NM_003745.2 (MANE Select); coding-DNA position 560, G replaced by A.
Protein change: p.Gly187Asp; replaces glycine 187 with aspartic acid.
Molecular consequence: missense variant.
Genome position (GRCh38, 1-based): chr16:11,254,919, C>T on the plus strand (G>A on the coding strand, the complement: SOCS1 is on the minus strand). VCF-style: chr16-11254919-C-T. GRCh37 (hg19) VCF-style: chr16-11348776-C-T.
Other names: short protein forms G187D.
Identifiers: ClinVar variation 2627601 (VCV002627601.3), dbSNP rs2141124327, ClinGen allele CA394739795.
Genomic context (GRCh38, chr16:11,254,919, plus strand): 5'-AAGGAGCTCAGGTAGTCGCGGAGGACGGGGTTGAGGGGGATGCGAGCCAGGTTCTCGCGG[C>T]CCACGGTGGCCACGATGCGCTGGCGGCACAGCTCCTGCAGCGGCCGCACGCGGCGCTGGC-3'
Protein context (NP_003736.1, residues 177-197): LCRQRIVATV[Gly187Asp]RENLARIPLN